The following is an entry in ClinVar:

ClinVar aggregate classification (germline): Uncertain significance (1 of 4 stars; one submission).

Conditions:
DICER1-related tumor predisposition. Also called: DICER1-related pleuropulmonary blastoma cancer predisposition syndrome; DICER1 syndrome. Identifiers: Orphanet 284343, MedGen C3839822, MONDO:0100216.

Submission:

Labcorp Genetics (formerly Invitae), Labcorp
Classification: Uncertain significance for DICER1-related tumor predisposition. Last evaluated: 2021-12-06. Review status: criteria provided, single submitter. Criteria: Invitae Variant Classification Sherloc (09022015). Collection method: clinical testing. Allele origin: germline.
Comment: In summary, the available evidence is currently insufficient to determine the role of this variant in disease. Therefore, it has been classified as a Variant of Uncertain Significance. Variants that disrupt the consensus splice site are a relatively common cause of aberrant splicing (PMID: 17576681, 9536098). Algorithms developed to predict the effect of sequence changes on RNA splicing suggest that this variant may disrupt the consensus splice site. This variant has not been reported in the literature in individuals affected with DICER1-related conditions. This variant is not present in population databases (gnomAD no frequency). This sequence change falls in intron 14 of the DICER1 gene. It does not directly change the encoded amino acid sequence of the DICER1 protein. It affects a nucleotide within the consensus splice site.

Literature cited by the submitters: PubMed 17576681; PubMed 9536098.

NM_177438.3(DICER1):c.2256+3T>C

Gene: DICER1 (dicer 1, ribonuclease III; minus strand). Cytogenetic location: 14q32.13.
Variant type: single nucleotide variant.
Coding change: c.2256+3T>C on transcript NM_177438.3 (MANE Select); 3 bases into the intron after coding-DNA position 2256, T replaced by C.
Molecular consequence: intron variant.
Genome position (GRCh38, 1-based): chr14:95,111,314, A>G on the plus strand (T>C on the coding strand, the complement: DICER1 is on the minus strand). VCF-style: chr14-95111314-A-G. GRCh37 (hg19) VCF-style: chr14-95577651-A-G.
Other names: c.2256+3T>C (NM_001291628.2, NM_030621.4, NM_001271282.3 and 1 more transcripts).
Identifiers: ClinVar variation 1462436 (VCV001462436.7), dbSNP rs2140066613, ClinGen allele CA2573150487.
Genomic context (GRCh38, chr14:95,111,314, plus strand): 5'-TTGATGTAGCGGAAAACAAAGTCAGAAATGCTAGGTTTTTACTCTGTTCTAACCAATACT[A>G]ACTGCTTTTGGGTAGCACTGCCTTCGTTTCGTGGAACCTGGTCTTCCTGGAACACTGGTC-3'